The following is an entry in ClinVar:

NM_024598.4(USB1):c.673C>T (p.Gln225Ter)

Gene: USB1 (U6 snRNA biogenesis phosphodiesterase 1; plus strand). Cytogenetic location: 16q21.
Variant type: single nucleotide variant.
Coding change: c.673C>T on transcript NM_024598.4 (MANE Select); coding-DNA position 673, C replaced by T.
Protein change: p.Gln225Ter; replaces glutamine 225 with a stop codon.
Molecular consequence: nonsense.
Genome position (GRCh38, 1-based): chr16:58,019,035, C>T. VCF-style: chr16-58019035-C-T. GRCh37 (hg19) VCF-style: chr16-58052939-C-T.
Other names: c.619C>T, p.Gln207Ter (NM_001195302.2); c.520C>T, p.Gln174Ter (NM_001330568.2); short protein forms Q207*, Q174*, Q225*.
Identifiers: ClinVar variation 496748 (VCV000496748.9), dbSNP rs1459714680, ClinGen allele CA396130225.

ClinVar aggregate classification (germline): Pathogenic. Review status: criteria provided, single submitter (1 of 4 stars). 2 submissions from 2 submitters: Pathogenic (1). 1 of the submissions does not count toward it. Last evaluated 2025-06-20.

Conditions:
Poikiloderma with neutropenia (PN). Identifiers: Orphanet 221046, MedGen C1858723, MONDO:0011405, OMIM 604173.

Allele frequency attached by ClinVar (database versions not stated): gnomAD exomes 0.00001 and 0.00002; TOPMed 0.00001.
gnomAD v4.1: 29 of 1,614,184 alleles (0.0018%); highest among the groups gnomAD compares: Non-Finnish European, 0.0023%; no homozygotes.

Submissions (2):

Labcorp Genetics (formerly Invitae), Labcorp
Classification: Pathogenic. Last evaluated: 2025-06-20. Review status: criteria provided, single submitter. Criteria: Invitae Variant Classification Sherloc (09022015). Collection method: clinical testing. Allele origin: germline.
Comment: This sequence change creates a premature translational stop signal (p.Gln225*) in the USB1 gene. While this is not anticipated to result in nonsense mediated decay, it is expected to disrupt the last 41 amino acid(s) of the USB1 protein. This variant is present in population databases (no rsID available, gnomAD 0.002%). This premature translational stop signal has been observed in individual(s) with poikiloderma with neutropenia (PMID: 21271650, 27612988, 32897901). In at least one individual the data is consistent with being in trans (on the opposite chromosome) from a pathogenic variant. ClinVar contains an entry for this variant (Variation ID: 496748). Algorithms developed to predict the effect of sequence changes on RNA splicing suggest that this variant may disrupt the consensus splice site. For these reasons, this variant has been classified as Pathogenic.

GeneReviews
No classification provided. Condition: Poikiloderma with neutropenia. Review status: no classification provided. Collection method: literature only. Allele origin: germline. Not counted in ClinVar's aggregate classification.

Literature cited by the submitters: PubMed 21271650 (cited by Labcorp Genetics (formerly Invitae), Labcorp); PubMed 27612988 (cited by Labcorp Genetics (formerly Invitae), Labcorp); PubMed 32897901 (cited by Labcorp Genetics (formerly Invitae), Labcorp); NCBI Bookshelf NBK459118 (cited by GeneReviews); PubMed 29072891 (cited by GeneReviews).